The following is an entry in ClinVar:

ClinVar aggregate classification (germline): Benign/Likely benign. Review status: criteria provided, multiple submitters, no conflicts (2 of 4 stars). 2 submissions from 2 submitters: Benign (1); Likely benign (1). Last evaluated 2023-04-28.

Conditions:
Wilson disease (WND). Also called: Wilson's disease. Identifiers: Orphanet 905, MedGen C0019202, MONDO:0010200, OMIM 277900. Disease mechanism: loss of function.

Submissions (2):

All of Us Research Program, National Institutes of Health
Classification: Likely benign for Wilson disease. Last evaluated: 2023-04-28. Review status: criteria provided, single submitter. Criteria: ACMG Guidelines, 2015. Collection method: clinical testing. Allele origin: germline. Inheritance: Autosomal recessive inheritance. Observed: 1 variant allele, 1 heterozygote.
Comment: This study involves interpretation of variants in research participants for the purpose of population health screening. Participant phenotype was not available at the time of variant classification. Additional details can be found in publication PMID: 35346344, PMCID: PMC8962531

Genetic Services Laboratory, University of Chicago
Classification: Benign. Last evaluated: 2013-02-08. Review status: criteria provided, single submitter. Criteria: ACMG Guidelines, 2007. Collection method: clinical testing. Allele origin: germline. Inheritance: Autosomal recessive inheritance.

NM_000053.4(ATP7B):c.2166G>A (p.Leu722=)

Gene: ATP7B (ATPase copper transporting beta; minus strand). Cytogenetic location: 13q14.3.
Variant type: single nucleotide variant.
Coding change: c.2166G>A on transcript NM_000053.4 (MANE Select); coding-DNA position 2166, G replaced by A.
Protein change: p.Leu722=; no amino-acid change (leucine 722 retained).
Molecular consequence: synonymous variant. On other transcripts: intron variant (2).
Genome position (GRCh38, 1-based): chr13:51,958,500, C>T on the plus strand (G>A on the coding strand, the complement: ATP7B is on the minus strand). VCF-style: chr13-51958500-C-T. GRCh37 (hg19) VCF-style: chr13-52532636-C-T.
Other names: c.1833G>A, p.Leu611= (NM_001243182.2); c.1914G>A, p.Leu638= (NM_001330579.2); c.1870-893G>A (NM_001005918.3); c.2122-893G>A (NM_001330578.2).
Identifiers: ClinVar variation 157935 (VCV000157935.7), dbSNP rs587783302, ClinGen allele CA171294.